The following is an entry in ClinVar:

NM_001042492.3(NF1):c.4887G>A (p.Leu1629=)

Gene: NF1 (neurofibromin 1; plus strand). Cytogenetic location: 17q11.2.
Variant type: single nucleotide variant.
Coding change: c.4887G>A on transcript NM_001042492.3 (MANE Select); coding-DNA position 4887, G replaced by A.
Protein change: p.Leu1629=; no amino-acid change (leucine 1629 retained).
Molecular consequence: synonymous variant.
Genome position (GRCh38, 1-based): chr17:31,325,871, G>A. VCF-style: chr17-31325871-G-A. GRCh37 (hg19) VCF-style: chr17-29652889-G-A.
Other names: c.4824G>A, p.Leu1608= (NM_000267.4).
Identifiers: ClinVar variation 412983 (VCV000412983.20), dbSNP rs368638966, ClinGen allele CA8487117.

ClinVar aggregate classification (germline): Benign/Likely benign. Review status: criteria provided, multiple submitters, no conflicts (2 of 4 stars). 8 submissions from 8 submitters: Benign (1); Likely benign (6). 1 of the submissions does not count toward it. Last evaluated 2026-05-20.

Conditions:
NF1-related disorder. Also called: NF1-related condition. Identifiers: MedGen CN379171.
Hereditary cancer-predisposing syndrome. Also called: Hereditary Cancer Syndrome; Neoplastic Syndromes, Hereditary; Hereditary neoplastic syndrome; Tumor predisposition. Identifiers: Orphanet 140162, MedGen C0027672, MeSH D009386, MONDO:0015356.
Cardiovascular phenotype. Identifiers: MedGen CN230736.
Neurofibromatosis, type 1 (NF1). Also called: VON RECKLINGHAUSEN DISEASE; NEUROFIBROMATOSIS, TYPE I, SOMATIC; Neurofibromatosis, type I; Peripheral type neurofibromatosis. Identifiers: Orphanet 636, MedGen C0027831, MONDO:0018975, OMIM 162200. Disease mechanism: loss of function.

Allele frequency attached by ClinVar (database versions not stated): gnomAD exomes below 0.00001 and 0.00001; gnomAD 0.00001; ESP Exome Variant Server 0.00008; TOPMed below 0.00001; ExAC 0.00001.
gnomAD v4.1: 4 of 1,613,980 alleles (0.00025%); highest among the groups gnomAD compares: Non-Finnish European, 0.00034%; no homozygotes.

Submissions (8):

Myriad Genetics, Inc.
Classification: Benign for Neurofibromatosis, type 1. Last evaluated: 2026-05-20. Review status: criteria provided, single submitter. Criteria: Myriad Autosomal Dominant, Autosomal Recessive and X-Linked Classification Criteria (2023). Collection method: clinical testing. Allele origin: unknown.
Comment: This variant is considered benign. This variant is a silent/synonymous amino acid change and it is not expected to impact splicing.

Labcorp Genetics (formerly Invitae), Labcorp
Classification: Likely benign for Neurofibromatosis, type 1. Last evaluated: 2025-12-08. Review status: criteria provided, single submitter. Criteria: Invitae Variant Classification Sherloc (09022015). Collection method: clinical testing. Allele origin: germline.

Women's Health and Genetics/Laboratory Corporation of America, LabCorp
Classification: Likely benign. Last evaluated: 2025-02-27. Review status: criteria provided, single submitter. Criteria: LabCorp Variant Classification Summary - May 2015. Collection method: clinical testing. Allele origin: germline.

Genome-Nilou Lab
Classification: Likely benign for Neurofibromatosis, type 1. Last evaluated: 2022-03-15. Review status: criteria provided, single submitter. Criteria: ACMG Guidelines, 2015. Collection method: clinical testing. Allele origin: germline. Affected: no.

Sema4
Classification: Likely benign for Hereditary cancer-predisposing syndrome. Last evaluated: 2021-08-16. Review status: criteria provided, single submitter. Criteria: Sema4 Curation Guidelines. Collection method: curation. Allele origin: germline.

GeneDx
Classification: Likely benign. Last evaluated: 2020-11-17. Review status: criteria provided, single submitter. Criteria: GeneDx Variant Classification Process June 2021. Collection method: clinical testing. Allele origin: germline. Affected: yes.

Ambry Genetics
Classification: Likely benign for Cardiovascular phenotype; Hereditary cancer-predisposing syndrome. Last evaluated: 2016-06-24. Review status: criteria provided, single submitter. Criteria: Ambry Variant Classification Scheme 2023. Collection method: clinical testing. Allele origin: germline.

PreventionGenetics, part of Exact Sciences
Classification: Likely benign for NF1-related condition. Last evaluated: 2024-07-18. Review status: no assertion criteria provided. Collection method: clinical testing. Allele origin: germline. Not counted in ClinVar's aggregate classification.
Comment: This variant is classified as likely benign based on ACMG/AMP sequence variant interpretation guidelines (Richards et al. 2015 PMID: 25741868, with internal and published modifications).

Literature cited by the submitters: PubMed 10678181 (cited by Women's Health and Genetics/Laboratory Corporation of America, LabCorp); PubMed 23460398 (cited by Women's Health and Genetics/Laboratory Corporation of America, LabCorp); PubMed 29872168 (cited by Women's Health and Genetics/Laboratory Corporation of America, LabCorp); PubMed 27069254 (cited by Women's Health and Genetics/Laboratory Corporation of America, LabCorp).